The following is an entry in ClinVar:

ClinVar aggregate classification (germline): Benign. Review status: criteria provided, single submitter (1 of 4 stars). 2 submissions from 2 submitters: Benign (1). 1 of the submissions does not count toward it. Last evaluated 2024-08-23.

Allele frequency attached by ClinVar (database versions not stated): gnomAD below 0.00001 and 0.00002; TOPMed 0.00001; gnomAD exomes 0.00004 and 0.00010; ExAC 0.00012; 1000 Genomes Project 30x 0.00016.
gnomAD v4.1: 68 of 1,614,134 alleles (0.0042%); highest among the groups gnomAD compares: South Asian, 0.072%; no homozygotes.

Submissions (2):

Labcorp Genetics (formerly Invitae), Labcorp
Classification: Benign. Last evaluated: 2024-08-23. Review status: criteria provided, single submitter. Criteria: Invitae Variant Classification Sherloc (09022015). Collection method: clinical testing. Allele origin: germline.

ITMI
No classification provided. Condition: AllHighlyPenetrant. Last evaluated: 2013-09-19. Review status: no classification provided. Collection method: reference population. Allele origin: germline. Not counted in ClinVar's aggregate classification.
Comment: Please see associated publication for description of ethnicities

Literature cited by the submitters: PubMed 24728327 (cited by ITMI).

NM_170606.3(KMT2C):c.7259T>G (p.Leu2420Arg)

Gene: KMT2C (lysine methyltransferase 2C; minus strand). Cytogenetic location: 7q36.1.
Variant type: single nucleotide variant.
Coding change: c.7259T>G on transcript NM_170606.3 (MANE Select); coding-DNA position 7259, T replaced by G.
Protein change: p.Leu2420Arg; replaces leucine 2420 with arginine.
Molecular consequence: missense variant.
Genome position (GRCh38, 1-based): chr7:152,180,017, A>C on the plus strand (T>G on the coding strand, the complement: KMT2C is on the minus strand). VCF-style: chr7-152180017-A-C. GRCh37 (hg19) VCF-style: chr7-151877102-A-C.
Other names: short protein forms L2420R.
Identifiers: ClinVar variation 134769 (VCV000134769.3), dbSNP rs200810583, ClinGen allele CA160709.
Genomic context (GRCh38, chr7:152,180,017, plus strand): 5'-GGATAGGGAGGTGGGGGTCTGGTGAAAGCCTGGTTAACATTCTCTGGTTGCCAGTGTTGA[A>C]GAGGCCCTGGATGAGGCACTGCGGGTGAGTCCTGTGACCCCTTCTCCTGTCGACCTGCAA-3'
Protein context (NP_733751.2, residues 2410-2430): DSPAVPHPGP[Leu2420Arg]QHWQPENVNQ